The following is an entry in ClinVar:

NM_000046.5(ARSB):c.1418G>A (p.Trp473Ter)

Gene: ARSB (arylsulfatase B; minus strand). Cytogenetic location: 5q14.1.
Variant type: single nucleotide variant.
Coding change: c.1418G>A on transcript NM_000046.5 (MANE Select); coding-DNA position 1418, G replaced by A.
Protein change: p.Trp473Ter; replaces tryptophan 473 with a stop codon.
Molecular consequence: nonsense.
Genome position (GRCh38, 1-based): chr5:78,780,581, C>T on the plus strand (G>A on the coding strand, the complement: ARSB is on the minus strand). VCF-style: chr5-78780581-C-T. GRCh37 (hg19) VCF-style: chr5-78076404-C-T.
Other names: short protein forms W473*.
Identifiers: ClinVar variation 1985289 (VCV001985289.1), dbSNP rs2478818781, ClinGen allele CA360339160.

ClinVar aggregate classification (germline): Pathogenic (1 of 4 stars; one submission).

Conditions:
Mucopolysaccharidosis type 6 (MPS6). Also called: MPS VI; ARSB DEFICIENCY; ARYLSULFATASE B DEFICIENCY; N-ACETYLGALACTOSAMINE-4-SULFATASE DEFICIENCY; MPS 6; Maroteaux Lamy syndrome. Identifiers: Orphanet 583, MedGen C0026709, MONDO:0009661, OMIM 253200.

Submission:

Labcorp Genetics (formerly Invitae), Labcorp
Classification: Pathogenic for Mucopolysaccharidosis type 6. Last evaluated: 2022-06-30. Review status: criteria provided, single submitter. Criteria: Invitae Variant Classification Sherloc (09022015). Collection method: clinical testing. Allele origin: germline.
Comment: This sequence change creates a premature translational stop signal (p.Trp473*) in the ARSB gene. While this is not anticipated to result in nonsense mediated decay, it is expected to disrupt the last 61 amino acid(s) of the ARSB protein. This variant is not present in population databases (gnomAD no frequency). This premature translational stop signal has been observed in individual(s) with mucopolysaccharidosis type VI (PMID: 17458871). Algorithms developed to predict the effect of sequence changes on RNA splicing suggest that this variant may disrupt the consensus splice site. This variant disrupts a region of the ARSB protein in which other variant(s) (p.Tyr513*) have been determined to be pathogenic (PMID: 10923267, 26909334). This suggests that this is a clinically significant region of the protein, and that variants that disrupt it are likely to be disease-causing. For these reasons, this variant has been classified as Pathogenic.

Literature cited by the submitters: PubMed 17458871; PubMed 10923267; PubMed 26909334.